The following is an entry in ClinVar:

NM_016042.4(EXOSC3):c.76C>T (p.Gln26Ter)

Gene: EXOSC3 (exosome component 3; minus strand). Cytogenetic location: 9p13.2.
Variant type: single nucleotide variant.
Coding change: c.76C>T on transcript NM_016042.4 (MANE Select); coding-DNA position 76, C replaced by T.
Protein change: p.Gln26Ter; replaces glutamine 26 with a stop codon.
Molecular consequence: nonsense.
Genome position (GRCh38, 1-based): chr9:37,784,969, G>A on the plus strand (C>T on the coding strand, the complement: EXOSC3 is on the minus strand). VCF-style: chr9-37784969-G-A. GRCh37 (hg19) VCF-style: chr9-37784966-G-A.
Other names: c.76C>T, p.Gln26Ter (NM_001002269.2); short protein forms Q26*.
Identifiers: ClinVar variation 4851857 (VCV004851857.1).

ClinVar aggregate classification (germline): Likely pathogenic (1 of 4 stars; one submission).

Submission:

Dasa
Classification: Likely pathogenic. Last evaluated: 2024-05-28. Review status: criteria provided, single submitter. Criteria: DASA Assertion Criteria. Collection method: clinical testing. Allele origin: germline.
Comment: NM_016042.4(EXOSC3):c.76C>T (p.Gln26*) introduces a premature termination codon predicted to result in loss of normal protein function. Loss-of-function is an established mechanism of disease for this gene. Based on the available data, this variant is classified as likely pathogenic.